The following is an entry in ClinVar:

NM_000368.5(TSC1):c.1703_1705del (p.Gly568del)

Gene: TSC1 (TSC complex subunit 1; minus strand). Cytogenetic location: 9q34.13.
Variant type: Deletion.
Coding change: c.1703_1705del on transcript NM_000368.5 (MANE Select); coding-DNA positions 1703 to 1705, 3 bases deleted (GAG; older notation c.1703_1705delGAG).
Protein change: p.Gly568del; deletes glycine 568.
Molecular consequence: inframe deletion.
Genome position (GRCh38, 1-based): chr9:132,905,873-132,905,875, CTC deleted on the plus strand (GAG on the coding strand, the reverse complement: TSC1 is on the minus strand); deleting any 3 consecutive bases within chr9:132,905,873-132,905,876 gives the same sequence; the c. name uses the placement nearest the transcript's 3' end. VCF-style (leftmost placement, unchanged base first): chr9-132905872-TCTC-T. GRCh37 (hg19) VCF-style: chr9-135781259-TCTC-T.
Other names: c.1700_1702del, p.Gly567del (NM_001162426.2); c.1550_1552del, p.Gly517del (NM_001162427.2); c.1340_1342del, p.Gly447del (NM_001362177.2); short protein forms G517del, G447del, G568del, G567del.
Identifiers: ClinVar variation 851565 (VCV000851565.9), dbSNP rs1845632722, ClinGen allele CA916081570.

ClinVar aggregate classification (germline): Uncertain significance (1 of 4 stars; one submission).

Conditions:
Tuberous sclerosis 1 (TSC1). Identifiers: Orphanet 805, MedGen C1854465, MONDO:0008612, OMIM 191100.

Submission:

Labcorp Genetics (formerly Invitae), Labcorp
Classification: Uncertain significance for Tuberous sclerosis 1. Last evaluated: 2019-03-02. Review status: criteria provided, single submitter. Criteria: Invitae Variant Classification Sherloc (09022015). Collection method: clinical testing. Allele origin: germline.
Comment: In summary, the available evidence is currently insufficient to determine the role of this variant in disease. Therefore, it has been classified as a Variant of Uncertain Significance. Experimental studies and prediction algorithms are not available for this variant, and the functional significance of the affected amino acid(s) is currently unknown. This variant has not been reported in the literature in individuals with TSC1-related conditions. This variant is not present in population databases (ExAC no frequency). This variant, c.1703_1705del, results in the deletion of 1 amino acid(s) of the TSC1 protein (p.Gly568del), but otherwise preserves the integrity of the reading frame.